The following is an entry in ClinVar:

ClinVar aggregate classification (germline): Uncertain significance. Review status: criteria provided, multiple submitters, no conflicts (2 of 4 stars). 2 submissions from 2 submitters: Uncertain significance (2). Last evaluated 2025-06-21.

Conditions:
Hereditary cancer-predisposing syndrome. Also called: Tumor predisposition; Neoplastic Syndromes, Hereditary; Hereditary Cancer Syndrome; Hereditary neoplastic syndrome. Identifiers: Orphanet 140162, MedGen C0027672, MeSH D009386, MONDO:0015356.
Ataxia-telangiectasia syndrome (AT). Also called: LOUIS-BAR SYNDROME; Cerebello-oculocutaneous telangiectasia; Immunodeficiency with ataxia telangiectasia; Ataxia-telangiectasia, complementation group D; AT, COMPLEMENTATION GROUP C; ATAXIA-TELANGIECTASIA, COMPLEMENTATION GROUP A. Identifiers: Orphanet 100, MedGen C0004135, MONDO:0008840, OMIM 208900.

Submissions (2):

Ambry Genetics
Classification: Uncertain significance for Hereditary cancer-predisposing syndrome. Last evaluated: 2025-06-21. Review status: criteria provided, single submitter. Criteria: Ambry Variant Classification Scheme 2023. Collection method: clinical testing. Allele origin: germline.
Comment: The p.M577R variant (also known as c.1730T>G), located in coding exon 10 of the ATM gene, results from a T to G substitution at nucleotide position 1730. The methionine at codon 577 is replaced by arginine, an amino acid with similar properties. This amino acid position is highly conserved in available vertebrate species. In addition, this alteration is predicted to be deleterious by in silico analysis. Since supporting evidence is limited at this time, the clinical significance of this alteration remains unclear.

Labcorp Genetics (formerly Invitae), Labcorp
Classification: Uncertain significance for Ataxia-telangiectasia syndrome. Last evaluated: 2022-07-11. Review status: criteria provided, single submitter. Criteria: Invitae Variant Classification Sherloc (09022015). Collection method: clinical testing. Allele origin: germline.
Comment: This sequence change replaces methionine, which is neutral and non-polar, with arginine, which is basic and polar, at codon 577 of the ATM protein (p.Met577Arg). This variant is not present in population databases (gnomAD no frequency). This variant has not been reported in the literature in individuals affected with ATM-related conditions. Advanced modeling of protein sequence and biophysical properties (such as structural, functional, and spatial information, amino acid conservation, physicochemical variation, residue mobility, and thermodynamic stability) performed at Invitae indicates that this missense variant is not expected to disrupt ATM protein function. In summary, the available evidence is currently insufficient to determine the role of this variant in disease. Therefore, it has been classified as a Variant of Uncertain Significance.

NM_000051.4(ATM):c.1730T>G (p.Met577Arg)

Gene: ATM (ATM serine/threonine kinase; plus strand). Cytogenetic location: 11q22.3.
Variant type: single nucleotide variant.
Coding change: c.1730T>G on transcript NM_000051.4 (MANE Select); coding-DNA position 1730, T replaced by G.
Protein change: p.Met577Arg; replaces methionine 577 with arginine.
Molecular consequence: missense variant.
Genome position (GRCh38, 1-based): chr11:108,251,959, T>G. VCF-style: chr11-108251959-T-G. GRCh37 (hg19) VCF-style: chr11-108122686-T-G.
Other names: c.1730T>G, p.Met577Arg (NM_001351834.2); short protein forms M577R.
Identifiers: ClinVar variation 1778977 (VCV001778977.5), dbSNP rs1591527919, ClinGen allele CA382535300.